The following is an entry in ClinVar:

ClinVar aggregate classification (germline): Uncertain significance (1 of 4 stars; one submission).

Conditions:
Neurodevelopmental disorder. Identifiers: MedGen C1535926, MeSH D065886, MONDO:0700092.

Allele frequency attached by ClinVar (database versions not stated): gnomAD exomes below 0.00001.

Submission:

Institute of Human Genetics, University of Leipzig Medical Center
Classification: Uncertain significance for Neurodevelopmental disorder. Last evaluated: 2024-02-12. Review status: criteria provided, single submitter. Criteria: ACMG Guidelines, 2015. Collection method: clinical testing. Allele origin: maternal. Affected: yes.
Comment: Criteria applied: PVS1

Literature cited by the submitters: DOI 10.1007/s00439-024-02655-4.

NM_001363540.2(DOCK4):c.3937del (p.Asp1313fs)

Gene: DOCK4 (dedicator of cytokinesis 4; minus strand). Cytogenetic location: 7q31.1.
Variant type: Deletion.
Coding change: c.3937del on transcript NM_001363540.2 (MANE Select); coding-DNA position 3937, one base deleted (G; older notation c.3937delG).
Protein change: p.Asp1313fs; shifts the reading frame from aspartic acid 1313.
Molecular consequence: frameshift variant.
Genome position (GRCh38, 1-based): chr7:111,765,201, C deleted on the plus strand (G on the coding strand, the reverse complement: DOCK4 is on the minus strand). VCF-style (leftmost placement, unchanged base first): chr7-111765200-TC-T. GRCh37 (hg19) VCF-style: chr7-111405256-TC-T.
Other names: c.3910del, p.Asp1304fs (NM_014705.4); short protein forms D1304fs, D1313fs.
Identifiers: ClinVar variation 2627582 (VCV002627582.2), dbSNP rs2536444575, ClinGen allele CA2582341940.